The following is an entry in ClinVar:

NM_000540.3(RYR1):c.14939C>T (p.Thr4980Met)

Gene: RYR1 (ryanodine receptor 1; plus strand). Cytogenetic location: 19q13.2.
Variant type: single nucleotide variant.
Coding change: c.14939C>T on transcript NM_000540.3 (MANE Select); coding-DNA position 14939, C replaced by T.
Protein change: p.Thr4980Met; replaces threonine 4980 with methionine.
Molecular consequence: missense variant.
Genome position (GRCh38, 1-based): chr19:38,586,161, C>T. VCF-style: chr19-38586161-C-T. GRCh37 (hg19) VCF-style: chr19-39076801-C-T.
Other names: c.14924C>T, p.Thr4975Met (NM_001042723.2); short protein forms T4975M.
Identifiers: ClinVar variation 93257 (VCV000093257.20), dbSNP rs398123471, ClinGen allele CA024280.
Genomic context (GRCh38, chr19:38,586,161, plus strand): 5'-TCATCTGTGGAATCGGCAGTGACTACTTTGATACGACACCGCATGGCTTCGAGACTCACA[C>T]GCTGGAGGAGCACAACCTGGCCAATTACATGTGAGCAGACACACTGGCCAGTCAGGAGGG-3'
Protein context (NP_000531.2, residues 4970-4990): DTTPHGFETH[Thr4980Met]LEEHNLANYM

ClinVar aggregate classification (germline): Conflicting classifications of pathogenicity. Review status: criteria provided, conflicting classifications (1 of 4 stars). 8 submissions from 8 submitters: Pathogenic (1); Uncertain significance (6). 1 of the submissions does not count toward it. Last evaluated 2025-06-20.

Conditions:
Congenital multicore myopathy with external ophthalmoplegia (CMYO1B). Also called: MULTICORE MYOPATHY; Minicore myopathy with external ophthalmoplegia; Congenital myopathy 1B, autosomal recessive; Minicore myopathy; MULTIMINICORE DISEASE WITH EXTERNAL OPHTHALMOPLEGIA. Identifiers: Orphanet 598, Orphanet 98905, MedGen C1850674, MONDO:0009712, OMIM 255320, HP:0003789.
Central core myopathy (CMYO1A). Also called: Central core disease; Myopathy, central fibrillar; CONGENITAL MYOPATHY 1A, AUTOSOMAL DOMINANT, WITH SUSCEPTIBILITY TO MALIGNANT HYPERTHERMIA. Identifiers: Orphanet 597, MedGen C5830701, MONDO:0007294, OMIM 117000.
Malignant hyperthermia, susceptibility to, 1 (MHS1). Also called: Malignant hyperthermia suceptibility 1; Anesthesia related hyperthermia; Malignant hyperpyrexia; Fulminating hyperpyrexia; Pharmacogenic myopathy; RYR1-Related Malignant Hyperthermia Susceptibility. Identifiers: Orphanet 423, MedGen C2930980, MONDO:0007783, OMIM 145600.
King Denborough syndrome (KDS). Identifiers: MedGen C1840365, MONDO:0020485, OMIM 619542.
RYR1-related myopathy. Identifiers: Orphanet 98742, MedGen CN305348, MONDO:0100150.
RYR1-related disorder. Also called: RYR1-related disorders; RYR1-related condition. Identifiers: MedGen CN239331.
Centronuclear myopathy (CNM). Also called: Myotubular myopathy; Centronuclear myopathy, congenital. Identifiers: Orphanet 595, MedGen C0175709, MONDO:0018947. Inheritance: All.

Allele frequency attached by ClinVar (database versions not stated): ExAC 0.00002; gnomAD exomes 0.00001; TOPMed 0.00002.
gnomAD v4.1: 10 of 1,614,016 alleles (0.00062%); highest among the groups gnomAD compares: Non-Finnish European, 0.00076%; no homozygotes.

Submissions (8):

Women's Health and Genetics/Laboratory Corporation of America, LabCorp
Classification: Uncertain significance. Last evaluated: 2025-06-20. Review status: criteria provided, single submitter. Criteria: LabCorp Variant Classification Summary - May 2015. Collection method: clinical testing. Allele origin: germline.
Comment: Variant summary: RYR1 c.14939C>T (p.Thr4980Met) results in a non-conservative amino acid change in the encoded protein sequence. Algorithms developed to predict the effect of missense changes on protein structure and function all suggest that this variant is likely to be disruptive. The variant allele was found at a frequency of 8e-06 in 251310 control chromosomes. c.14939C>T has been observed in individuals affected with autosomal recessive congenital myopathy (e.g. Klein_2011, Colombo_2015, Garibaldi_2019, Chang_2022). These data do not allow any conclusion about variant significance. To our knowledge, no experimental evidence demonstrating an impact on protein function has been reported. The following publications have been ascertained in the context of this evaluation (PMID: 35693006, 25428687, 30611313, 21911697, 29802573).been reported. ClinVar contains an entry for this variant (Variation ID: 93257). Based on the evidence outlined above, the variant was classified as VUS-possibly pathogenic.

Molecular Genetics, Royal Melbourne Hospital
Classification: Uncertain significance for RYR1-related myopathy. Last evaluated: 2024-12-06. Review status: criteria provided, single submitter. Criteria: ACMG Guidelines, 2015. Collection method: clinical testing. Allele origin: germline. Inheritance: Autosomal recessive inheritance. Affected: yes.
Comment: This sequence change in RYR1 is predicted to replace threonine with methionine at codon 4980, p.(Thr4980Met). The threonine residue is highly conserved (100 vertebrates, Multiz Alignments), and is located in exon 104 in the C-terminal region (amino acids 4,631-4,991) defined as a malignant hyperthermia susceptibility mutational hotspot. There is a moderate physicochemical difference between threonine and methionine. The highest population minor allele frequency in the population database gnomAD v4.1 is 0.0008% (9/1,180,026 alleles) in the European (non-Finnish) population. This variant has been reported heterozygous in one proband with a phenotype consistent with an RYR1-related myopathy (PMID: 29802573). It has been detected as compound heterozygous in at least six individuals with a phenotype consistent with RYR1-related myopathy, with mainly variants of uncertain significance on the second allele (PMID: 21911697, 23394784, 30611313, 35693006; MH Diagnostic Unit, Royal Melbourne Hospital). Computational evidence predicts a deleterious effect for the missense substitution (REVEL = 0.896) and predicts no impact on splicing (SpliceAI) for the nucleotide change. Based on the classification scheme RMH Modified ACMG/AMP Guidelines v1.7.1, this variant is classified as a VARIANT OF UNCERTAIN SIGNIFICANCE. Following criteria are met: PM1_Supporting, PM3, PP3_Moderate.

Labcorp Genetics (formerly Invitae), Labcorp
Classification: Pathogenic for RYR1-related disorder. Last evaluated: 2024-08-23. Review status: criteria provided, single submitter. Criteria: Invitae Variant Classification Sherloc (09022015). Collection method: clinical testing. Allele origin: germline.
Comment: This sequence change replaces threonine, which is neutral and polar, with methionine, which is neutral and non-polar, at codon 4980 of the RYR1 protein (p.Thr4980Met). This variant is present in population databases (rs398123471, gnomAD 0.002%). This missense change has been observed in individuals with autosomal recessive RYR1-related conditions (PMID: 21911697, 23394784, 30611313). ClinVar contains an entry for this variant (Variation ID: 93257). Invitae Evidence Modeling of protein sequence and biophysical properties (such as structural, functional, and spatial information, amino acid conservation, physicochemical variation, residue mobility, and thermodynamic stability) indicates that this missense variant is expected to disrupt RYR1 protein function with a positive predictive value of 95%. For these reasons, this variant has been classified as Pathogenic.

Muscle and Diseases Team, Institut de Génétique et Biologie Moléculaire et Cellulaire
Classification: Uncertain significance for Centronuclear myopathy. Last evaluated: 2024-03-01. Review status: criteria provided, single submitter. Criteria: ACMG Guidelines, 2015. Collection method: research. Allele origin: maternal. Affected: yes. Observed: 1 variant allele.

Revvity Omics, Revvity
Classification: Uncertain significance. Last evaluated: 2024-02-27. Review status: criteria provided, single submitter. Criteria: ACMG Guidelines, 2015. Collection method: clinical testing. Allele origin: germline.

Blueprint Genetics
Classification: Uncertain significance. Last evaluated: 2019-02-07. Review status: criteria provided, single submitter. Criteria: ACMG Guidelines, 2015. Collection method: clinical testing. Allele origin: germline.

Eurofins Ntd Llc (ga)
Classification: Uncertain significance. Last evaluated: 2012-08-21. Review status: criteria provided, single submitter. Criteria: EGL Classification Definitions 2015. Collection method: clinical testing. Allele origin: germline. Observed: 1 variant allele, 1 heterozygote.

Fulgent Genetics
Classification: Likely pathogenic for Central core myopathy; Malignant hyperthermia, susceptibility to, 1; Congenital multicore myopathy with external ophthalmoplegia; King Denborough syndrome. Last evaluated: 2024-06-11. Review status: flagged submission. Criteria: ACMG Guidelines, 2015. Collection method: clinical testing. Allele origin: germline. Not counted in ClinVar's aggregate classification.
ClinVar note: Reason: Outlier claim with insufficient supporting evidence

Literature cited by the submitters: PubMed 30611313 (cited by 4 submitters); PubMed 25428687 (cited by Women's Health and Genetics/Laboratory Corporation of America, LabCorp); PubMed 21911697 (cited by 3 submitters); PubMed 35693006 (cited by Women's Health and Genetics/Laboratory Corporation of America, LabCorp and Molecular Genetics, Royal Melbourne Hospital); PubMed 29802573 (cited by Women's Health and Genetics/Laboratory Corporation of America, LabCorp and Molecular Genetics, Royal Melbourne Hospital); PubMed 23394784 (cited by Molecular Genetics, Royal Melbourne Hospital and Labcorp Genetics (formerly Invitae), Labcorp).